The following is an entry in ClinVar:

NM_015166.4(MLC1):c.216G>A (p.Leu72=)

Genes: MLC1 (modulator of VRAC current 1; minus strand), LOC125446261 (Sharpr-MPRA regulatory region 9327; plus strand). Cytogenetic location: 22q13.33.
Variant type: single nucleotide variant.
Coding change: c.216G>A on transcript NM_015166.4 (MANE Select); coding-DNA position 216, G replaced by A.
Protein change: p.Leu72=; no amino-acid change (leucine 72 retained).
Molecular consequence: synonymous variant. On other transcripts: 5 prime UTR variant (1), non-coding transcript variant (3), intron variant (1).
Genome position (GRCh38, 1-based): chr22:50,083,135, C>T on the plus strand (G>A on the coding strand, the complement: MLC1 is on the minus strand). VCF-style: chr22-50083135-C-T. GRCh37 (hg19) VCF-style: chr22-50521564-C-T.
Other names: p.Leu72=; c.216G>A, p.Leu72= (NM_001376472.1, NM_001376473.1, NM_001376474.1 and 9 more transcripts); c.-22G>A (NM_001376484.1); c.177+1591G>A (NM_001376480.1).
Identifiers: ClinVar variation 262457 (VCV000262457.19), dbSNP rs78365284, ClinGen allele CA10303650.

ClinVar aggregate classification (germline): Benign/Likely benign. Review status: criteria provided, multiple submitters, no conflicts (2 of 4 stars). 6 submissions from 6 submitters: Benign (3); Likely benign (2). 1 of the submissions does not count toward it. Last evaluated 2026-02-02.

Conditions:
Megalencephalic leukoencephalopathy with subcortical cysts 1 (MLC1). Also called: LEUKOENCEPHALOPATHY WITH SWELLING AND CYSTS; VACUOLATING MEGALENCEPHALIC LEUKOENCEPHALOPATHY WITH SUBCORTICAL CYSTS. Identifiers: Orphanet 2478, MedGen C5779875, MONDO:0024555, OMIM 604004.
Megalencephalic leukoencephalopathy with subcortical cysts. Also called: VAN DER KNAAP DISEASE. Identifiers: Orphanet 2478, MedGen C1858854, MONDO:0011391.

Allele frequency attached by ClinVar (database versions not stated): gnomAD exomes 0.00041 and 0.00111; ExAC 0.00145; gnomAD 0.00468 and 0.00499; ESP Exome Variant Server 0.00515; TOPMed 0.00578; 1000 Genomes Project 0.00719; 1000 Genomes Project 30x 0.00781.

Submissions (6):

Labcorp Genetics (formerly Invitae), Labcorp
Classification: Benign. Last evaluated: 2026-02-02. Review status: criteria provided, single submitter. Criteria: Invitae Variant Classification Sherloc (09022015). Collection method: clinical testing. Allele origin: germline.

Mayo Clinic Laboratories, Mayo Clinic
Classification: Likely benign. Last evaluated: 2025-06-24. Review status: criteria provided, single submitter. Criteria: ACMG Guidelines, 2015. Collection method: clinical testing. Allele origin: germline. Observed: 1 variant allele.
Comment: BS1, BP4, BP7

Blueprint Genetics
Classification: Likely benign. Last evaluated: 2024-11-06. Review status: criteria provided, single submitter. Criteria: ACMG Guidelines, 2015. Collection method: clinical testing. Allele origin: germline.

Illumina Laboratory Services, Illumina
Classification: Benign for Megalencephalic leukoencephalopathy with subcortical cysts 1. Last evaluated: 2018-01-13. Review status: criteria provided, single submitter. Criteria: ICSL Variant Classification Criteria 13 December 2019. Collection method: clinical testing. Allele origin: germline.
Comment: This variant was observed in the ICSL laboratory as part of a predisposition screen in an ostensibly healthy population. It had not been previously curated by ICSL or reported in the Human Gene Mutation Database (HGMD: prior to June 1st, 2018), and was therefore a candidate for classification through an automated scoring system. Utilizing variant allele frequency, disease prevalence and penetrance estimates, and inheritance mode, an automated score was calculated to assess if this variant is too frequent to cause the disease. Based on the score and internal cut-off values, a variant classified as benign is not then subjected to further curation. The score for this variant resulted in a classification of benign for this disease.

PreventionGenetics, part of Exact Sciences
Classification: Benign. Review status: criteria provided, single submitter. Criteria: ACMG Guidelines, 2015. Collection method: clinical testing. Allele origin: germline.

Natera, Inc.
Classification: Benign for Megalencephalic leukoencephalopathy with subcortical cysts. Last evaluated: 2020-09-16. Review status: no assertion criteria provided. Collection method: clinical testing. Allele origin: germline. Not counted in ClinVar's aggregate classification.